The following is an entry in ClinVar:

NM_001164508.2(NEB):c.6755dup (p.Pro2252_Asp2253insTer)

Gene: NEB (nebulin; minus strand). Cytogenetic location: 2q23.3.
Variant type: Duplication.
Coding change: c.6755dup on transcript NM_001164508.2 (MANE Select); coding-DNA position 6755, one base duplicated (C; older notation c.6755dupC).
Protein change: p.Pro2252_Asp2253insTer.
Molecular consequence: frameshift variant. On other transcripts: nonsense (1).
Genome position (GRCh38, 1-based): chr2:151,655,322, G duplicated on the plus strand (C on the coding strand, the reverse complement: NEB is on the minus strand); the first of 2 consecutive G bases (chr2:151,655,322-151,655,323); duplicating either gives the same sequence. VCF-style (leftmost placement, unchanged base first): chr2-151655321-A-AG. GRCh37 (hg19) VCF-style: chr2-152511835-A-AG.
Other names: c.6755dup (NM_001271208.1); c.6755dup, p.Pro2252_Asp2253insTer (NM_001164507.2, NM_001271208.2, NM_004543.5).
Identifiers: ClinVar variation 4058491 (VCV004058491.3).

ClinVar aggregate classification (germline): Pathogenic/Likely pathogenic. Review status: criteria provided, multiple submitters, no conflicts (2 of 4 stars). 2 submissions from 2 submitters: Pathogenic (1); Likely pathogenic (1). Last evaluated 2026-06-03.

Conditions:
Nemaline myopathy 2 (NEM2). Also called: Nemaline myopathy 2, autosomal recessive. Identifiers: MedGen C1850569, MONDO:0009725, OMIM 256030.

Submissions (2):

Myriad Genetics, Inc.
Classification: Pathogenic for Nemaline myopathy 2. Last evaluated: 2026-06-03. Review status: criteria provided, single submitter. Criteria: Myriad Autosomal Dominant, Autosomal Recessive and X-Linked Classification Criteria (2023). Collection method: clinical testing. Allele origin: unknown.
Comment: NM_001271208.1(NEB):c.6755dupC(D2253*) is a nonsense variant classified as pathogenic in the context of NEB-related nemaline myopathy. D2253* has not been observed in cases with relevant disease. Relevant functional assessments of this variant are not available in the literature. D2253* has not been observed in referenced population frequency databases. In summary, NM_001271208.1(NEB):c.6755dupC(D2253*) is a nonsense variant in a gene where loss of function is a known mechanism of disease and is predicted to disrupt protein function. Please note: this variant was assessed in the context of healthy population screening.

Natera, Inc.
Classification: Likely pathogenic for Nemaline myopathy type 2. Last evaluated: 2025-04-24. Review status: criteria provided, single submitter. Criteria: Natera Variant Classification Schema (03/2026). Collection method: clinical testing. Allele origin: germline.
Comment: The c.6755dup variant in NEB is a frameshift variant predicted to shift the reading frame and introduce a stop codon. This variant is expected to result in nonsense mediated decay, truncation, or a dysfunctional protein product. This variant is rare in the general population with a frequency below the threshold expected for the associated phenotype(s). Given the available evidence, this variant is classified as Likely Pathogenic.